The following is an entry in ClinVar:

ClinVar aggregate classification (germline): Uncertain significance. Review status: criteria provided, multiple submitters, no conflicts (2 of 4 stars). 2 submissions from 2 submitters: Uncertain significance (2). Last evaluated 2023-05-01.

Conditions:
Hereditary breast ovarian cancer syndrome. Also called: Breast and ovarian cancer; Hereditary breast and ovarian cancer; Hereditary breast and ovarian cancer syndrome (HBOC); BRCA1- and BRCA2-Associated Hereditary Breast and Ovarian Cancer; Hereditary breast and ovarian cancer syndrome; Hereditary breast and/or ovarian cancer syndrome. Identifiers: Orphanet 145, MedGen C0677776, MeSH D061325, MONDO:0003582. Disease mechanism: loss of function.
Breast-ovarian cancer, familial, susceptibility to, 2 (BROVCA2). Also called: BRCA2 Hereditary Breast and Ovarian Cancer. Identifiers: Orphanet 145, MedGen C2675520, MONDO:0012933, OMIM 612555. Disease mechanism: loss of function.

Submissions (2):

Labcorp Genetics (formerly Invitae), Labcorp
Classification: Uncertain significance for Hereditary breast ovarian cancer syndrome. Last evaluated: 2023-05-01. Review status: criteria provided, single submitter. Criteria: Invitae Variant Classification Sherloc (09022015). Collection method: clinical testing. Allele origin: germline.
Comment: This variant has not been reported in the literature in individuals affected with BRCA2-related conditions. This variant is not present in population databases (gnomAD no frequency). This sequence change replaces lysine, which is basic and polar, with arginine, which is basic and polar, at codon 1872 of the BRCA2 protein (p.Lys1872Arg). Advanced modeling of protein sequence and biophysical properties (such as structural, functional, and spatial information, amino acid conservation, physicochemical variation, residue mobility, and thermodynamic stability) performed at Invitae indicates that this missense variant is not expected to disrupt BRCA2 protein function. In summary, the available evidence is currently insufficient to determine the role of this variant in disease. Therefore, it has been classified as a Variant of Uncertain Significance.

All of Us Research Program, National Institutes of Health
Classification: Uncertain significance for Breast-ovarian cancer, familial, susceptibility to, 2. Last evaluated: 2023-04-27. Review status: criteria provided, single submitter. Criteria: ACMG Guidelines, 2015. Collection method: clinical testing. Allele origin: germline. Inheritance: Autosomal dominant inheritance. Observed: 1 variant allele, 1 heterozygote.
Comment: This study involves interpretation of variants in research participants for the purpose of population health screening. Participant phenotype was not available at the time of variant classification. Additional details can be found in publication PMID: 35346344, PMCID: PMC8962531

NM_000059.4(BRCA2):c.5615A>G (p.Lys1872Arg)

Gene: BRCA2 (BRCA2 DNA repair associated; plus strand). Cytogenetic location: 13q13.1.
Variant type: single nucleotide variant.
Coding change: c.5615A>G on transcript NM_000059.4 (MANE Select); coding-DNA position 5615, A replaced by G.
Protein change: p.Lys1872Arg; replaces lysine 1872 with arginine.
Molecular consequence: missense variant. On other transcripts: non-coding transcript variant (1), intron variant (2).
Genome position (GRCh38, 1-based): chr13:32,339,970, A>G. VCF-style: chr13-32339970-A-G. GRCh37 (hg19) VCF-style: chr13-32914107-A-G.
Other names: c.5615A>G, p.Lys1872Arg (NM_001406719.1, NM_001406720.1); c.1910-4588A>G (NM_001406721.1); c.425-4588A>G (NM_001406722.1); short protein forms K1872R.
Identifiers: ClinVar variation 2967450 (VCV002967450.4), dbSNP rs2137519164, ClinGen allele CA387786095.